The following is an entry in ClinVar:

ClinVar aggregate classification (germline): Likely benign. Review status: criteria provided, multiple submitters, no conflicts (2 of 4 stars). 5 submissions from 5 submitters: Likely benign (5). Last evaluated 2025-11-22.

Conditions:
Usher syndrome type 2C. Also called: Usher syndrome, type 2B; USHER SYNDROME, TYPE IIC. Identifiers: Orphanet 231178, Orphanet 886, MedGen C2931213, MONDO:0011558, OMIM 605472.
Hearing loss, autosomal recessive 57. Also called: DEAFNESS, AUTOSOMAL RECESSIVE 57. Identifiers: MedGen C4693893, MONDO:0033201, OMIM 618003.
Usher syndrome type 2A. Also called: RETINAL DISEASE IN USHER SYNDROME TYPE IIA, MODIFIER OF; USHER SYNDROME, TYPE IIA. Identifiers: Orphanet 231178, Orphanet 886, MedGen C1848634, MONDO:0010169, OMIM 276901.

Allele frequency attached by ClinVar (database versions not stated): 1000 Genomes Project 0.00020; gnomAD exomes 0.00020 and 0.00053; TOPMed 0.00022; ExAC 0.00027; gnomAD 0.00029; 1000 Genomes Project 30x 0.00031.
gnomAD v4.1: 780 of 1,550,050 alleles (0.05%); highest among the groups gnomAD compares: Non-Finnish European, 0.063%; no homozygotes.

Submissions (5):

Labcorp Genetics (formerly Invitae), Labcorp
Classification: Likely benign. Last evaluated: 2025-11-22. Review status: criteria provided, single submitter. Criteria: Invitae Variant Classification Sherloc (09022015). Collection method: clinical testing. Allele origin: germline.

Blueprint Genetics
Classification: Likely benign. Last evaluated: 2024-07-18. Review status: criteria provided, single submitter. Criteria: ACMG Guidelines, 2015. Collection method: clinical testing. Allele origin: germline.

Fulgent Genetics
Classification: Likely benign for Usher syndrome type 2A; Usher syndrome type 2C; Hearing loss, autosomal recessive 57. Last evaluated: 2022-01-24. Review status: criteria provided, single submitter. Criteria: ACMG Guidelines, 2015. Collection method: clinical testing. Allele origin: unknown.

GeneDx
Classification: Likely benign. Last evaluated: 2020-03-24. Review status: criteria provided, single submitter. Criteria: GeneDx Variant Classification Process June 2021. Collection method: clinical testing. Allele origin: germline. Affected: yes.

Laboratory for Molecular Medicine, Mass General Brigham Personalized Medicine
Classification: Likely benign. Last evaluated: 2017-08-23. Review status: criteria provided, single submitter. Criteria: LMM Criteria. Collection method: clinical testing. Allele origin: germline. Observed: 1 variant allele.
Comment: p.Gln543Gln in exon 11 of PDZD7: This variant is not expected to have clinical s ignificance because it does not alter an amino acid residue and is not located w ithin the splice consensus sequence. It has been identified in 0.06% (3/5052) of European chromosomes by the Exome Aggregation Consortium (ExAC; dbSNP rs192668758).

NM_001195263.2(PDZD7):c.1629G>A (p.Gln543=)

Gene: PDZD7 (PDZ domain containing 7; minus strand). Cytogenetic location: 10q24.31.
Variant type: single nucleotide variant.
Coding change: c.1629G>A on transcript NM_001195263.2 (MANE Select); coding-DNA position 1629, G replaced by A.
Protein change: p.Gln543=; no amino-acid change (glutamine 543 retained).
Molecular consequence: synonymous variant.
Genome position (GRCh38, 1-based): chr10:101,015,756, C>T on the plus strand (G>A on the coding strand, the complement: PDZD7 is on the minus strand). VCF-style: chr10-101015756-C-T. GRCh37 (hg19) VCF-style: chr10-102775513-C-T.
Identifiers: ClinVar variation 667152 (VCV000667152.18), dbSNP rs192668758, ClinGen allele CA5654048.
Genomic context (GRCh38, chr10:101,015,756, plus strand): 5'-GTCCTGAATGAGGGGCCGCCGGCTCTCCCAGGCCTGAACCTGCTCATCCACATTAGGCAG[C>T]TGGCTGGAGGGACTCCCAGACCTGGCAGACAGCAGGGCCCGGCCCCTCTCCTGGTCTGCA-3'
Protein context (NP_001182192.1, residues 533-553): LSARSGSPSS[Gln543=]LPNVDEQVQA